The following is an entry in ClinVar:

NM_000404.4(GLB1):c.87G>T (p.Gln29His)

Gene: GLB1 (galactosidase beta 1; minus strand). Cytogenetic location: 3p22.3.
Variant type: single nucleotide variant.
Coding change: c.87G>T on transcript NM_000404.4 (MANE Select); coding-DNA position 87, G replaced by T.
Protein change: p.Gln29His; replaces glutamine 29 with histidine.
Molecular consequence: missense variant. On other transcripts: 5 prime UTR variant (1).
Genome position (GRCh38, 1-based): chr3:33,072,702, C>A on the plus strand (G>T on the coding strand, the complement: GLB1 is on the minus strand). VCF-style: chr3-33072702-C-A. GRCh37 (hg19) VCF-style: chr3-33114194-C-A.
Other names: c.-4G>T (NM_001079811.3); c.87G>T, p.Gln29His (NM_001135602.3, NM_001393580.1); c.231G>T, p.Gln77His (NM_001317040.2); short protein forms Q77H, Q29H.
Identifiers: ClinVar variation 2067152 (VCV002067152.1), dbSNP rs2471449738, ClinGen allele CA351997070.

ClinVar aggregate classification (germline): Uncertain significance (1 of 4 stars; one submission).

Conditions:
GM1 gangliosidosis. Identifiers: Orphanet 354, MedGen C0085131, MONDO:0018149.
Mucopolysaccharidosis, MPS-IV-B (MPS4B). Also called: MORQUIO SYNDROME B; Mucopolysaccharidosis Type IVB (Morquio B Disease); Mucopolysaccharidosis type IV B; Mucopolysaccharidosis Type IVB; Mucopolysaccharidosis type 4B; Mucopolysaccharidosis type IVB (Morquio). Identifiers: Orphanet 309310, Orphanet 582, MedGen C0086652, MONDO:0009660, OMIM 253010.

Submission:

Labcorp Genetics (formerly Invitae), Labcorp
Classification: Uncertain significance for Mucopolysaccharidosis, MPS-IV-B; GM1 gangliosidosis. Last evaluated: 2022-09-13. Review status: criteria provided, single submitter. Criteria: Invitae Variant Classification Sherloc (09022015). Collection method: clinical testing. Allele origin: germline.
Comment: This sequence change replaces glutamine, which is neutral and polar, with histidine, which is basic and polar, at codon 29 of the GLB1 protein (p.Gln29His). This variant is not present in population databases (gnomAD no frequency). This variant has not been reported in the literature in individuals affected with GLB1-related conditions. Advanced modeling of protein sequence and biophysical properties (such as structural, functional, and spatial information, amino acid conservation, physicochemical variation, residue mobility, and thermodynamic stability) performed at Invitae indicates that this missense variant is not expected to disrupt GLB1 protein function. In summary, the available evidence is currently insufficient to determine the role of this variant in disease. Therefore, it has been classified as a Variant of Uncertain Significance.